The following is an entry in ClinVar:

NM_001385641.1(SAMD11):c.1076G>A (p.Arg359Gln)

Gene: SAMD11 (sterile alpha motif domain containing 11; plus strand). Cytogenetic location: 1p36.33.
Variant type: single nucleotide variant.
Coding change: c.1076G>A on transcript NM_001385641.1 (MANE Select); coding-DNA position 1076, G replaced by A.
Protein change: p.Arg359Gln; replaces arginine 359 with glutamine.
Molecular consequence: missense variant.
Genome position (GRCh38, 1-based): chr1:939,293, G>A. VCF-style: chr1-939293-G-A. GRCh37 (hg19) VCF-style: chr1-874673-G-A.
Other names: c.1079G>A, p.Arg360Gln (NM_001385640.1); c.539G>A, p.Arg180Gln (NM_152486.4); c.539G>A (NM_152486.2); short protein forms R180Q, R359Q, R360Q.
Identifiers: ClinVar variation 1367703 (VCV001367703.7), dbSNP rs112419559, ClinGen allele CA502695.

ClinVar aggregate classification (germline): Conflicting classifications of pathogenicity. Review status: criteria provided, conflicting classifications (1 of 4 stars). 3 submissions from 3 submitters: Uncertain significance (2); Likely benign (1). Last evaluated 2024-08-27.

Allele frequency attached by ClinVar (database versions not stated): gnomAD exomes 0.00009; ExAC 0.00016; gnomAD 0.00028 and 0.00031; ESP Exome Variant Server 0.00046.
gnomAD v4.1: 100 of 1,607,882 alleles (0.0062%); highest among the groups gnomAD compares: African/African-American, 0.1%; 1 homozygote.

Submissions (3):

Ambry Genetics
Classification: Uncertain significance. Last evaluated: 2024-08-27. Review status: criteria provided, single submitter. Criteria: Ambry Variant Classification Scheme 2023. Collection method: clinical testing. Allele origin: germline.

Blueprint Genetics
Classification: Likely benign. Last evaluated: 2023-03-22. Review status: criteria provided, single submitter. Criteria: ACMG Guidelines, 2015. Collection method: clinical testing. Allele origin: germline.

Labcorp Genetics (formerly Invitae), Labcorp
Classification: Uncertain significance. Last evaluated: 2022-11-01. Review status: criteria provided, single submitter. Criteria: Invitae Variant Classification Sherloc (09022015). Collection method: clinical testing. Allele origin: germline.
Comment: This sequence change replaces arginine, which is basic and polar, with glutamine, which is neutral and polar, at codon 180 of the SAMD11 protein (p.Arg180Gln). This variant is present in population databases (rs112419559, gnomAD 0.1%). This variant has not been reported in the literature in individuals affected with SAMD11-related conditions. ClinVar contains an entry for this variant (Variation ID: 1367703). Algorithms developed to predict the effect of missense changes on protein structure and function are either unavailable or do not agree on the potential impact of this missense change (SIFT: "Deleterious"; PolyPhen-2: "Benign"; Align-GVGD: "Class C0"). In summary, the available evidence is currently insufficient to determine the role of this variant in disease. Therefore, it has been classified as a Variant of Uncertain Significance.